The following is an entry in ClinVar:

ClinVar aggregate classification (germline): Benign/Likely benign. Review status: criteria provided, multiple submitters, no conflicts (2 of 4 stars). 7 submissions from 7 submitters: Benign (6); Likely benign (1). Last evaluated 2026-02-01.

Conditions:
H syndrome. Also called: Histiocytosis with joint contractures and sensorineural deafness; FAISALABAD HISTIOCYTOSIS; HISTIOCYTOSIS AND LYMPHADENOPATHY WITH OR WITHOUT CUTANEOUS, CARDIAC, AND/OR ENDOCRINE FEATURES, JOINT CONTRACTURES, AND/OR DEAFNESS; HYPERPIGMENTATION, CUTANEOUS, WITH HYPERTRICHOSIS, HEPATOSPLENOMEGALY, HEART ANOMALIES, AND HYPOGONADISM WITH OR WITHOUT HEARING LOSS; PIGMENTED HYPERTRICHOSIS WITH INSULIN-DEPENDENT DIABETES MELLITUS; ROSAI-DORFMAN DISEASE, FAMILIAL. Identifiers: Orphanet 168569, MedGen C1864445, MONDO:0011273, OMIM 602782.

Allele frequency attached by ClinVar (database versions not stated): gnomAD exomes 0.00368 and 0.00937; ExAC 0.01295; gnomAD 0.03313 and 0.03555; 1000 Genomes Project 0.03554; ESP Exome Variant Server 0.03791; TOPMed 0.03807; 1000 Genomes Project 30x 0.03966.
gnomAD v4.1: 10,687 of 1,612,488 alleles (0.66%); highest among the groups gnomAD compares: African/African-American, 11%; 517 homozygotes.

Submissions (7):

Labcorp Genetics (formerly Invitae), Labcorp
Classification: Benign for H syndrome. Last evaluated: 2026-02-01. Review status: criteria provided, single submitter. Criteria: Invitae Variant Classification Sherloc (09022015). Collection method: clinical testing. Allele origin: germline.

Women's Health and Genetics/Laboratory Corporation of America, LabCorp
Classification: Benign. Last evaluated: 2026-01-21. Review status: criteria provided, single submitter. Criteria: LabCorp Variant Classification Summary - May 2015. Collection method: clinical testing. Allele origin: germline.

Mayo Clinic Laboratories, Mayo Clinic
Classification: Benign. Last evaluated: 2024-12-29. Review status: criteria provided, single submitter. Criteria: ACMG Guidelines, 2015. Collection method: clinical testing. Allele origin: germline. Observed: 7 variant alleles.

Blueprint Genetics
Classification: Likely benign. Last evaluated: 2024-11-27. Review status: criteria provided, single submitter. Criteria: ACMG Guidelines, 2015. Collection method: clinical testing. Allele origin: germline.

Illumina Laboratory Services, Illumina
Classification: Benign for H syndrome. Last evaluated: 2018-01-13. Review status: criteria provided, single submitter. Criteria: ICSL Variant Classification Criteria 13 December 2019. Collection method: clinical testing. Allele origin: germline.
Comment: This variant was observed in the ICSL laboratory as part of a predisposition screen in an ostensibly healthy population. It had not been previously curated by ICSL or reported in the Human Gene Mutation Database (HGMD: prior to June 1st, 2018), and was therefore a candidate for classification through an automated scoring system. Utilizing variant allele frequency, disease prevalence and penetrance estimates, and inheritance mode, an automated score was calculated to assess if this variant is too frequent to cause the disease. Based on the score and internal cut-off values, a variant classified as benign is not then subjected to further curation. The score for this variant resulted in a classification of benign for this disease.

Genetic Services Laboratory, University of Chicago
Classification: Benign for AllHighlyPenetrant. Last evaluated: 2013-03-05. Review status: criteria provided, single submitter. Criteria: ACMG Guidelines, 2007. Collection method: clinical testing. Allele origin: germline. Inheritance: Autosomal recessive inheritance.

Breakthrough Genomics
Classification: Benign. Review status: criteria provided, single submitter. Criteria: ACMG Guidelines, 2015. Collection method: not provided. Allele origin: germline. Inheritance: Autosomal recessive inheritance. Affected: yes.

NM_018344.6(SLC29A3):c.597G>A (p.Gln199=)

Gene: SLC29A3 (solute carrier family 29 member 3; plus strand). Cytogenetic location: 10q22.1.
Variant type: single nucleotide variant.
Coding change: c.597G>A on transcript NM_018344.6 (MANE Select); coding-DNA position 597, G replaced by A.
Protein change: p.Gln199=; no amino-acid change (glutamine 199 retained).
Molecular consequence: synonymous variant. On other transcripts: non-coding transcript variant (1).
Genome position (GRCh38, 1-based): chr10:71,351,775, G>A. VCF-style: chr10-71351775-G-A. GRCh37 (hg19) VCF-style: chr10-73111532-G-A.
Other names: p.Gln199=; c.597G>A, p.Gln199= (NM_001174098.2); c.363G>A, p.Gln121= (NM_001363518.2).
Identifiers: ClinVar variation 130336 (VCV000130336.22), dbSNP rs16928737, ClinGen allele CA155232.
Genomic context (GRCh38, chr10:71,351,775, plus strand): 5'-CACTGTCTTCAGCAGCAGCATCTACGGCATGACCGGCTCCTTTCCTATGAGGAACTCCCA[G>A]GCACTGATATCAGGTGAGAGCCAGGGTCCGGGCAGCTGACCAGGTTCATCCACCCAGGAG-3'
Protein context (NP_060814.4, residues 189-209): MTGSFPMRNS[Gln199=]ALISGGAMGG